The following is an entry in ClinVar:

ClinVar aggregate classification (germline): Uncertain significance (1 of 4 stars; one submission).

Conditions:
Intellectual developmental disorder with autism and macrocephaly. Also called: Autism, susceptibility to, 18; CHD8-Related Neurodevelopmental Disorder with Overgrowth. Identifiers: Orphanet 642675, MedGen C3554373, MONDO:0014017, OMIM 615032.

Submission:

Laboratorio de Genetica e Diagnostico Molecular, Hospital Israelita Albert Einstein
Classification: Uncertain significance for Intellectual developmental disorder with autism and macrocephaly. Last evaluated: 2025-07-25. Review status: criteria provided, single submitter. Criteria: ACMG Guidelines, 2015. Collection method: clinical testing. Allele origin: germline. Affected: yes.
Comment: ACMG classification criteria: PM2 supporting, PP3 supporting

NM_001170629.2(CHD8):c.2226+4A>G

Gene: CHD8 (chromodomain helicase DNA binding protein 8; minus strand). Cytogenetic location: 14q11.2.
Variant type: single nucleotide variant.
Coding change: c.2226+4A>G on transcript NM_001170629.2 (MANE Select); 4 bases into the intron after coding-DNA position 2226, A replaced by G.
Molecular consequence: intron variant.
Genome position (GRCh38, 1-based): chr14:21,412,909, T>C on the plus strand (A>G on the coding strand, the complement: CHD8 is on the minus strand). VCF-style: chr14-21412909-T-C. GRCh37 (hg19) VCF-style: chr14-21881068-T-C.
Other names: c.1389+4A>G (NM_020920.4).
Identifiers: ClinVar variation 4846994 (VCV004846994.1).